The following is an entry in ClinVar:

ClinVar aggregate classification (germline): Uncertain significance. Review status: criteria provided, single submitter (1 of 4 stars). 2 submissions from 2 submitters: Uncertain significance (1). 1 of the submissions does not count toward it. Last evaluated 2022-08-31.

Conditions:
Zellweger spectrum disorders (ZS). Also called: Zellweger Spectrum Disorder (ZSD); Zellweger Spectrum Disorder; Zellweger Spectrum; Zellweger syndrome. Identifiers: Orphanet 912, MedGen C0043459, MONDO:0019609.
Peroxisome biogenesis disorder 5A (Zellweger) (PBD5A). Identifiers: Orphanet 912, MedGen C3553940, MONDO:0013932, OMIM 614866.

Allele frequency attached by ClinVar (database versions not stated): TOPMed 0.00001.
gnomAD v4.1: 65 of 1,613,944 alleles (0.004%); highest among the groups gnomAD compares: Non-Finnish European, 0.0048%; no homozygotes.

Submissions (2):

Labcorp Genetics (formerly Invitae), Labcorp
Classification: Uncertain significance for Peroxisome biogenesis disorder 5A (Zellweger). Last evaluated: 2022-08-31. Review status: criteria provided, single submitter. Criteria: Invitae Variant Classification Sherloc (09022015). Collection method: clinical testing. Allele origin: germline.
Comment: This sequence change replaces alanine, which is neutral and non-polar, with proline, which is neutral and non-polar, at codon 245 of the PEX2 protein (p.Ala245Pro). This variant is present in population databases (rs112108739, gnomAD 0.01%). This variant has not been reported in the literature in individuals affected with PEX2-related conditions. ClinVar contains an entry for this variant (Variation ID: 934090). Algorithms developed to predict the effect of missense changes on protein structure and function (SIFT, PolyPhen-2, Align-GVGD) all suggest that this variant is likely to be tolerated. In summary, the available evidence is currently insufficient to determine the role of this variant in disease. Therefore, it has been classified as a Variant of Uncertain Significance.

Natera, Inc.
Classification: Uncertain significance for Zellweger syndrome. Last evaluated: 2021-04-02. Review status: no assertion criteria provided. Collection method: clinical testing. Allele origin: germline. Not counted in ClinVar's aggregate classification.

NM_000318.3(PEX2):c.733G>C (p.Ala245Pro)

Gene: PEX2 (peroxisomal biogenesis factor 2; minus strand). Cytogenetic location: 8q21.13.
Variant type: single nucleotide variant.
Coding change: c.733G>C on transcript NM_000318.3 (MANE Select); coding-DNA position 733, G replaced by C.
Protein change: p.Ala245Pro; replaces alanine 245 with proline.
Molecular consequence: missense variant.
Genome position (GRCh38, 1-based): chr8:76,983,446, C>G on the plus strand (G>C on the coding strand, the complement: PEX2 is on the minus strand). VCF-style: chr8-76983446-C-G. GRCh37 (hg19) VCF-style: chr8-77895682-C-G.
Other names: c.733G>C, p.Ala245Pro (NM_001079867.2, NM_001172086.2, NM_001172087.2); short protein forms A245P.
Identifiers: ClinVar variation 934090 (VCV000934090.5), dbSNP rs112108739, ClinGen allele CA4788663.